The following is an entry in ClinVar:

NM_000553.6(WRN):c.3604G>A (p.Asp1202Asn)

Gene: WRN (WRN RecQ like helicase; plus strand). Cytogenetic location: 8p12.
Variant type: single nucleotide variant.
Coding change: c.3604G>A on transcript NM_000553.6 (MANE Select); coding-DNA position 3604, G replaced by A.
Protein change: p.Asp1202Asn; replaces aspartic acid 1202 with asparagine.
Molecular consequence: missense variant.
Genome position (GRCh38, 1-based): chr8:31,150,372, G>A. VCF-style: chr8-31150372-G-A. GRCh37 (hg19) VCF-style: chr8-31007888-G-A.
Other names: short protein forms D1202N.
Identifiers: ClinVar variation 403997 (VCV000403997.9), dbSNP rs753920588, ClinGen allele CA4705131.

ClinVar aggregate classification (germline): Uncertain significance. Review status: criteria provided, multiple submitters, no conflicts (2 of 4 stars). 2 submissions from 2 submitters: Uncertain significance (2). Last evaluated 2025-08-21.

Conditions:
Inborn genetic diseases. Identifiers: MedGen C0950123, MeSH D030342.
Werner syndrome (WRN). Identifiers: Orphanet 902, MedGen C0043119, MONDO:0010196, OMIM 277700.

Allele frequency attached by ClinVar (database versions not stated): ExAC 0.00001; gnomAD exomes 0.00001.
gnomAD v4.1: 62 of 1,614,122 alleles (0.0038%); highest among the groups gnomAD compares: Non-Finnish European, 0.0052%; no homozygotes.

Submissions (2):

Ambry Genetics
Classification: Uncertain significance for Inborn genetic diseases. Last evaluated: 2025-08-21. Review status: criteria provided, single submitter. Criteria: Ambry Variant Classification Scheme 2023. Collection method: clinical testing. Allele origin: germline.

Labcorp Genetics (formerly Invitae), Labcorp
Classification: Uncertain significance for Werner syndrome. Last evaluated: 2025-08-07. Review status: criteria provided, single submitter. Criteria: Invitae Variant Classification Sherloc (09022015). Collection method: clinical testing. Allele origin: germline.
Comment: This sequence change replaces aspartic acid, which is acidic and polar, with asparagine, which is neutral and polar, at codon 1202 of the WRN protein (p.Asp1202Asn). This variant is present in population databases (rs753920588, gnomAD 0.0009%). This variant has not been reported in the literature in individuals affected with WRN-related conditions. ClinVar contains an entry for this variant (Variation ID: 403997). An algorithm developed to predict the effect of missense changes on protein structure and function outputs the following: PolyPhen-2: "Possibly Damaging". The asparagine amino acid residue is found in multiple mammalian species, which suggests that this missense change does not adversely affect protein function. In summary, the available evidence is currently insufficient to determine the role of this variant in disease. Therefore, it has been classified as a Variant of Uncertain Significance.